The following is an entry in ClinVar:

ClinVar aggregate classification (germline): Conflicting classifications of pathogenicity. Review status: criteria provided, conflicting classifications (1 of 4 stars). 9 submissions from 9 submitters: Uncertain significance (1); Benign (1); Likely benign (6). 1 of the submissions does not count toward it. Last evaluated 2025-09-20.

Conditions:
Tuberous sclerosis syndrome (TSC). Also called: Tuberous Sclerosis Complex; Tuberous sclerosis. Identifiers: Orphanet 805, MedGen C0041341, MONDO:0001734.
TSC2-related disorder. Also called: TSC2-related condition; TSC2-Related Disorders.
Hereditary cancer-predisposing syndrome. Also called: Hereditary neoplastic syndrome; Tumor predisposition; Hereditary Cancer Syndrome; Neoplastic Syndromes, Hereditary. Identifiers: Orphanet 140162, MedGen C0027672, MeSH D009386, MONDO:0015356.
Tuberous sclerosis 2 (TSC2). Identifiers: Orphanet 805, MedGen C1860707, MONDO:0013199, OMIM 613254.

Allele frequency attached by ClinVar (database versions not stated): ExAC 0.00001; gnomAD 0.00002; TOPMed 0.00002.
gnomAD v4.1: 6 of 1,614,068 alleles (0.00037%); highest among the groups gnomAD compares: African/African-American, 0.008%; no homozygotes.

Submissions (9):

Labcorp Genetics (formerly Invitae), Labcorp
Classification: Likely benign for Tuberous sclerosis 2. Last evaluated: 2025-09-20. Review status: criteria provided, single submitter. Criteria: Invitae Variant Classification Sherloc (09022015). Collection method: clinical testing. Allele origin: germline.

Myriad Genetics, Inc.
Classification: Benign for Tuberous sclerosis 2. Last evaluated: 2025-05-02. Review status: criteria provided, single submitter. Criteria: Myriad Autosomal Dominant, Autosomal Recessive and X-Linked Classification Criteria (2023). Collection method: clinical testing. Allele origin: unknown.
Comment: This variant is considered benign. This variant is a silent/synonymous amino acid change and it is not expected to impact splicing.

All of Us Research Program, National Institutes of Health
Classification: Likely benign for Tuberous sclerosis syndrome. Last evaluated: 2023-09-04. Review status: criteria provided, single submitter. Criteria: ACMG Guidelines, 2015. Collection method: clinical testing. Allele origin: germline. Inheritance: Autosomal dominant inheritance. Observed: 1 variant allele, 1 heterozygote.
Comment: This study involves interpretation of variants in research participants for the purpose of population health screening. Participant phenotype was not available at the time of variant classification. Additional details can be found in publication PMID: 35346344, PMCID: PMC8962531

Color Diagnostics, LLC DBA Color Health
Classification: Likely benign for Tuberous sclerosis syndrome. Last evaluated: 2022-09-12. Review status: criteria provided, single submitter. Criteria: ACMG Guidelines, 2015. Collection method: clinical testing. Allele origin: germline.

Genome-Nilou Lab
Classification: Likely benign for Tuberous sclerosis 2. Last evaluated: 2021-11-07. Review status: criteria provided, single submitter. Criteria: ACMG Guidelines, 2015. Collection method: clinical testing. Allele origin: germline. Affected: no.

Blueprint Genetics
Classification: Likely benign. Last evaluated: 2020-09-07. Review status: criteria provided, single submitter. Criteria: ACMG Guidelines, 2015. Collection method: clinical testing. Allele origin: germline.

Ambry Genetics
Classification: Likely benign for Hereditary cancer-predisposing syndrome. Last evaluated: 2017-09-28. Review status: criteria provided, single submitter. Criteria: Ambry Variant Classification Scheme 2023. Collection method: clinical testing. Allele origin: germline.

Eurofins Ntd Llc (ga)
Classification: Uncertain significance. Last evaluated: 2016-08-17. Review status: criteria provided, single submitter. Criteria: EGL Classification Definitions 2015. Collection method: clinical testing. Allele origin: germline. Observed: 1 variant allele, 1 heterozygote.

PreventionGenetics, part of Exact Sciences
Classification: Likely benign for TSC2-related condition. Last evaluated: 2023-06-24. Review status: no assertion criteria provided. Collection method: clinical testing. Allele origin: germline. Not counted in ClinVar's aggregate classification.
Comment: This variant is classified as likely benign based on ACMG/AMP sequence variant interpretation guidelines (Richards et al. 2015 PMID: 25741868, with internal and published modifications).

NM_000548.5(TSC2):c.354C>G (p.Val118=)

Gene: TSC2 (TSC complex subunit 2; plus strand). Cytogenetic location: 16p13.3.
Variant type: single nucleotide variant.
Coding change: c.354C>G on transcript NM_000548.5 (MANE Select); coding-DNA position 354, C replaced by G.
Protein change: p.Val118=; no amino-acid change (valine 118 retained).
Molecular consequence: synonymous variant. On other transcripts: intron variant (1).
Genome position (GRCh38, 1-based): chr16:2,054,313, C>G. VCF-style: chr16-2054313-C-G. GRCh37 (hg19) VCF-style: chr16-2104314-C-G.
Other names: c.354C>G (NM_000548.4); c.354C>G, p.Val118= (NM_001077183.3, NM_001114382.3, NM_001363528.2 and 3 more transcripts); c.243C>G, p.Val81= (NM_001318827.2); c.207C>G, p.Val69= (NM_001318829.2); c.387C>G, p.Val129= (NM_001318832.2); c.-1-1883C>G (NM_001318831.2).
Identifiers: ClinVar variation 289837 (VCV000289837.26), dbSNP rs762228318, ClinGen allele CA047411.
Genomic context (GRCh38, chr16:2,054,313, plus strand): 5'-CGACGCTGGCAGGCTCTGCTGATCCTGTGGCTTTTGTCTTTAGGGCGAGCGTTTGGGGGT[C>G]CTCAGAGCCCTCTTCTTTAAGGTCATCAAGGATTACCCTTCCAACGAAGACCTTCACGAA-3'
Protein context (NP_000539.2, residues 108-128): IVQGQGERLG[Val118=]LRALFFKVIK